The following is an entry in ClinVar:

NM_022437.3(ABCG8):c.*21G>A

Gene: ABCG8 (ATP binding cassette subfamily G member 8; plus strand). Cytogenetic location: 2p21.
Variant type: single nucleotide variant.
Coding change: c.*21G>A on transcript NM_022437.3 (MANE Select); 21 bases downstream of the stop codon, G replaced by A.
Molecular consequence: 3 prime UTR variant.
Genome position (GRCh38, 1-based): chr2:43,877,934, G>A. VCF-style: chr2-43877934-G-A. GRCh37 (hg19) VCF-style: chr2-44105073-G-A.
Other names: c.*21G>A (NM_001357321.2).
Identifiers: ClinVar variation 4684565 (VCV004684565.1).

ClinVar aggregate classification (germline): Likely benign (1 of 4 stars; one submission).

gnomAD v4.1: 304 of 1,614,082 alleles (0.019%); highest among the groups gnomAD compares: Middle Eastern, 0.12%; no homozygotes.

Submission:

Mayo Clinic Laboratories, Mayo Clinic
Classification: Likely benign. Last evaluated: 2025-06-09. Review status: criteria provided, single submitter. Criteria: ACMG Guidelines, 2015. Collection method: clinical testing. Allele origin: germline. Observed: 2 variant alleles.
Comment: BP4, BP7